The following is an entry in ClinVar:

NM_181659.3(NCOA3):c.3786G>A (p.Gln1262=)

Genes: NCOA3 (nuclear receptor coactivator 3; plus strand), LOC109621227 (nuclear receptor coactivator 3 repeat instability region; plus strand). Cytogenetic location: 20q13.12.
Variant type: single nucleotide variant.
Coding change: c.3786G>A on transcript NM_181659.3 (MANE Select); coding-DNA position 3786, G replaced by A.
Protein change: p.Gln1262=; no amino-acid change (glutamine 1262 retained).
Molecular consequence: synonymous variant.
Genome position (GRCh38, 1-based): chr20:47,651,116, G>A. VCF-style: chr20-47651116-G-A. GRCh37 (hg19) VCF-style: chr20-46279860-G-A.
Other names: c.3783G>A, p.Gln1261= (NM_001174087.2); c.3759G>A, p.Gln1253= (NM_001174088.2); c.3774G>A, p.Gln1258= (NM_006534.4).
Identifiers: ClinVar variation 2652377 (VCV002652377.24), dbSNP rs151060280, ClinGen allele CA9895177.
Genomic context (GRCh38, chr20:47,651,116, plus strand): 5'-GGTGGCTATGATGATGCAGCAGCAGCAGCAGCAGCAACAGCAGCAGCAGCAGCAGCAGCA[G>A]CAGCAACAGCAACAGCAACAGCAACAGCAGCAACAGCAGCAAACCCAGGCCTTCAGCCCA-3'
Protein context (NP_858045.1, residues 1252-1272): QQQQQQQQQQ[Gln1262=]QQQQQQQQQQ

ClinVar aggregate classification (germline): Likely benign (1 of 4 stars; one submission).

Allele frequency attached by ClinVar (database versions not stated): gnomAD 0.00022; ExAC 0.00045; ESP Exome Variant Server 0.00169.

Submission:

CeGaT Center for Human Genetics Tuebingen
Classification: Likely benign. Last evaluated: 2023-03-01. Review status: criteria provided, single submitter. Criteria: CeGaT Center For Human Genetics Tuebingen Variant Classification Criteria Version 2. Collection method: clinical testing. Allele origin: germline. Affected: yes. Observed: 1 variant allele.
Comment: NCOA3: BP4, BP7